The following is an entry in ClinVar:

NM_024334.3(TMEM43):c.352C>T (p.His118Tyr)

Gene: TMEM43 (transmembrane protein 43; plus strand). Cytogenetic location: 3p25.1.
Variant type: single nucleotide variant.
Coding change: c.352C>T on transcript NM_024334.3 (MANE Select); coding-DNA position 352, C replaced by T.
Protein change: p.His118Tyr; replaces histidine 118 with tyrosine.
Molecular consequence: missense variant.
Genome position (GRCh38, 1-based): chr3:14,131,634, C>T. VCF-style: chr3-14131634-C-T. GRCh37 (hg19) VCF-style: chr3-14173134-C-T.
Other names: c.352C>T, p.His118Tyr (NM_001407274.1, NM_001407275.1, NM_001407276.1 and 2 more transcripts); c.337C>T, p.His113Tyr (NM_001407278.1); c.202C>T, p.His68Tyr (NM_001407280.1); short protein forms H68Y, H113Y, H118Y.
Identifiers: ClinVar variation 2738323 (VCV002738323.3), dbSNP rs764481012, ClinGen allele CA053018.
Genomic context (GRCh38, chr3:14,131,634, plus strand): 5'-TTGAAGCTTTTGTCTGATCCAAACTATGGGGTCCATCTTCCGGCTGTGAAACTGCGGAGG[C>T]ACGTGGAGATGTACCAATGGGTAGAAACTGAGGAGTCCAGGTGAGCTGTTGGGGTGAAAA-3'
Protein context (NP_077310.1, residues 108-128): VHLPAVKLRR[His118Tyr]VEMYQWVETE

ClinVar aggregate classification (germline): Uncertain significance (1 of 4 stars; one submission).

Conditions:
Arrhythmogenic right ventricular dysplasia 5. Also called: Arrhythmogenic Right Ventricular Dysplasia/Cardiomyopathy 5; ARRHYTHMOGENIC RIGHT VENTRICULAR DYSPLASIA, FAMILIAL, 5. Identifiers: MedGen C1858379, MONDO:0011459, OMIM 604400.

Allele frequency attached by ClinVar (database versions not stated): ExAC 0.00002; gnomAD exomes below 0.00001.
gnomAD v4.1: 4 of 1,614,174 alleles (0.00025%); highest among the groups gnomAD compares: Non-Finnish European, 0.00034%; no homozygotes.

Submission:

Labcorp Genetics (formerly Invitae), Labcorp
Classification: Uncertain significance for Arrhythmogenic right ventricular dysplasia 5. Last evaluated: 2025-10-26. Review status: criteria provided, single submitter. Criteria: Invitae Variant Classification Sherloc (09022015). Collection method: clinical testing. Allele origin: germline.
Comment: This sequence change replaces histidine, which is basic and polar, with tyrosine, which is neutral and polar, at codon 118 of the TMEM43 protein (p.His118Tyr). This variant is present in population databases (rs764481012, gnomAD 0.002%). This variant has not been reported in the literature in individuals affected with TMEM43-related conditions. ClinVar contains an entry for this variant (Variation ID: 2738323). Invitae Evidence Modeling of protein sequence and biophysical properties (such as structural, functional, and spatial information, amino acid conservation, physicochemical variation, residue mobility, and thermodynamic stability) indicates that this missense variant is not expected to disrupt TMEM43 protein function with a negative predictive value of 80%. Algorithms developed to predict the effect of sequence changes on RNA splicing suggest that this variant may create or strengthen a splice site. In summary, the available evidence is currently insufficient to determine the role of this variant in disease. Therefore, it has been classified as a Variant of Uncertain Significance.